The following is an entry in ClinVar:

NM_006012.4(CLPP):c.199-1G>C

Genes: CLPP (caseinolytic mitochondrial matrix peptidase proteolytic subunit; plus strand), LOC130063288 (ATAC-STARR-seq lymphoblastoid silent region 9948; plus strand). Cytogenetic location: 19p13.3.
Variant type: single nucleotide variant.
Coding change: c.199-1G>C on transcript NM_006012.4 (MANE Select); the canonical splice acceptor site of the intron before coding-DNA position 199, G replaced by C.
Molecular consequence: splice acceptor variant.
Genome position (GRCh38, 1-based): chr19:6,361,868, G>C. VCF-style: chr19-6361868-G-C. GRCh37 (hg19) VCF-style: chr19-6361879-G-C.
Other names: c.199-1G>C (NM_006012.2).
Identifiers: ClinVar variation 2171411 (VCV002171411.5), dbSNP rs1049555823, ClinGen allele CA304753544.

ClinVar aggregate classification (germline): Likely pathogenic. Review status: criteria provided, multiple submitters, no conflicts (2 of 4 stars). 2 submissions from 2 submitters: Likely pathogenic (2). Last evaluated 2026-03-26.

Conditions:
CLPP-related disorder. Also called: CLPP-related condition.

Allele frequency attached by ClinVar (database versions not stated): TOPMed below 0.00001.

Submissions (2):

PreventionGenetics, part of Exact Sciences
Classification: Likely pathogenic for CLPP-related condition. Last evaluated: 2026-03-26. Review status: criteria provided, single submitter. Criteria: ACMG Guidelines, 2015. Collection method: clinical testing. Allele origin: germline.
Comment: The CLPP c.199-1G>C variant is predicted to disrupt the AG splice acceptor site and interfere with normal splicing. To our knowledge, this variant has not been reported in the literature or in a large population database (gnomAD), indicating this variant is rare. Variants that disrupt the consensus splice acceptor site in CLPP are expected to be pathogenic. This variant is interpreted as likely pathogenic.

Labcorp Genetics (formerly Invitae), Labcorp
Classification: Likely pathogenic. Last evaluated: 2022-03-04. Review status: criteria provided, single submitter. Criteria: Invitae Variant Classification Sherloc (09022015). Collection method: clinical testing. Allele origin: germline.
Comment: In summary, the currently available evidence indicates that the variant is pathogenic, but additional data are needed to prove that conclusively. Therefore, this variant has been classified as Likely Pathogenic. Algorithms developed to predict the effect of sequence changes on RNA splicing suggest that this variant may disrupt the consensus splice site. This variant has not been reported in the literature in individuals affected with CLPP-related conditions. This variant is not present in population databases (gnomAD no frequency). This sequence change affects an acceptor splice site in intron 1 of the CLPP gene. It is expected to disrupt RNA splicing. Variants that disrupt the donor or acceptor splice site typically lead to a loss of protein function (PMID: 16199547), and loss-of-function variants in CLPP are known to be pathogenic (PMID: 23851121, 27899912).

Literature cited by the submitters: PubMed 16199547 (cited by Labcorp Genetics (formerly Invitae), Labcorp); PubMed 23851121 (cited by Labcorp Genetics (formerly Invitae), Labcorp); PubMed 27899912 (cited by Labcorp Genetics (formerly Invitae), Labcorp).